The following is an entry in ClinVar:

NM_000384.3(APOB):c.10573A>T (p.Ser3525Cys)

Gene: APOB (apolipoprotein B; minus strand). Cytogenetic location: 2p24.1.
Variant type: single nucleotide variant.
Coding change: c.10573A>T on transcript NM_000384.3 (MANE Select); coding-DNA position 10573, A replaced by T.
Protein change: p.Ser3525Cys; replaces serine 3525 with cysteine.
Molecular consequence: missense variant.
Genome position (GRCh38, 1-based): chr2:21,006,295, T>A on the plus strand (A>T on the coding strand, the complement: APOB is on the minus strand). VCF-style: chr2-21006295-T-A. GRCh37 (hg19) VCF-style: chr2-21229167-T-A.
Other names: short protein forms S3525C.
Identifiers: ClinVar variation 4124629 (VCV004124629.2).

ClinVar aggregate classification (germline): Uncertain significance. Review status: criteria provided, multiple submitters, no conflicts (2 of 4 stars). 2 submissions from 2 submitters: Uncertain significance (2). Last evaluated 2026-02-27.

Conditions:
Cardiovascular phenotype. Identifiers: MedGen CN230736.

Submissions (2):

GeneDx
Classification: Uncertain significance. Last evaluated: 2026-02-27. Review status: criteria provided, single submitter. Criteria: GeneDx Variant Classification Process June 2021. Collection method: clinical testing. Allele origin: germline.
Comment: Not observed at significant frequency in large population cohorts (gnomAD); In silico analysis supports that this missense variant has a deleterious effect on protein structure/function; Has not been previously published as pathogenic or benign to our knowledge

Ambry Genetics
Classification: Uncertain significance for Cardiovascular phenotype. Last evaluated: 2025-06-28. Review status: criteria provided, single submitter. Criteria: Ambry Variant Classification Scheme 2023. Collection method: clinical testing. Allele origin: germline.
Comment: The p.S3525C variant (also known as c.10573A>T), located in coding exon 26 of the APOB gene, results from an A to T substitution at nucleotide position 10573. The serine at codon 3525 is replaced by cysteine, an amino acid with dissimilar properties. This amino acid position is conserved. In addition, this alteration is predicted to be tolerated by in silico analysis. Based on the available evidence, the clinical significance of this variant remains unclear.